The following is an entry in ClinVar:

NM_001277115.2(DNAH11):c.13184G>A (p.Arg4395Gln)

Gene: DNAH11 (dynein axonemal heavy chain 11; plus strand). Cytogenetic location: 7p15.3.
Variant type: single nucleotide variant.
Coding change: c.13184G>A on transcript NM_001277115.2 (MANE Select); coding-DNA position 13184, G replaced by A.
Protein change: p.Arg4395Gln; replaces arginine 4395 with glutamine.
Molecular consequence: missense variant.
Genome position (GRCh38, 1-based): chr7:21,900,001, G>A. VCF-style: chr7-21900001-G-A. GRCh37 (hg19) VCF-style: chr7-21939619-G-A.
Other names: short protein forms R4395Q.
Identifiers: ClinVar variation 977582 (VCV000977582.9), dbSNP rs368249392, ClinGen allele CA4183365.

ClinVar aggregate classification (germline): Conflicting classifications of pathogenicity. Review status: criteria provided, conflicting classifications (1 of 4 stars). 4 submissions from 4 submitters: Uncertain significance (3); Benign (1). Last evaluated 2024-03-01.

Conditions:
Primary ciliary dyskinesia. Also called: Ciliary dyskinesia. Identifiers: Orphanet 244, MedGen C0008780, MONDO:0016575, HP:0012265.

Allele frequency attached by ClinVar (database versions not stated): TOPMed 0.00003.
gnomAD v4.1: 46 of 1,613,656 alleles (0.0029%); highest among the groups gnomAD compares: Admixed American, 0.053%; no homozygotes.

Submissions (4):

Labcorp Genetics (formerly Invitae), Labcorp
Classification: Benign for Primary ciliary dyskinesia. Last evaluated: 2024-03-01. Review status: criteria provided, single submitter. Criteria: Invitae Variant Classification Sherloc (09022015). Collection method: clinical testing. Allele origin: germline.

GeneDx
Classification: Uncertain significance. Last evaluated: 2024-02-16. Review status: criteria provided, single submitter. Criteria: GeneDx Variant Classification Process June 2021. Collection method: clinical testing. Allele origin: germline. Affected: yes.
Comment: In silico analysis supports that this missense variant has a deleterious effect on protein structure/function; Has not been previously published as pathogenic or benign to our knowledge

Blueprint Genetics
Classification: Uncertain significance. Last evaluated: 2023-11-23. Review status: criteria provided, single submitter. Criteria: ACMG Guidelines, 2015. Collection method: clinical testing. Allele origin: germline.

UNC Molecular Genetics  Laboratory, University of North Carolina at Chapel Hill
Classification: Uncertain significance for Primary ciliary dyskinesia. Last evaluated: 2019-02-28. Review status: criteria provided, single submitter. Criteria: ACMG Guidelines, 2015. Collection method: clinical testing. Allele origin: germline. Observed: 1 heterozygote.